The following is an entry in ClinVar:

ClinVar aggregate classification (germline): Conflicting classifications of pathogenicity. Review status: criteria provided, conflicting classifications (1 of 4 stars). 2 submissions from 2 submitters: Uncertain significance (1); Likely benign (1). Last evaluated 2025-07-14.

Conditions:
Hereditary cancer-predisposing syndrome. Also called: Hereditary Cancer Syndrome; Tumor predisposition; Hereditary neoplastic syndrome; Neoplastic Syndromes, Hereditary. Identifiers: Orphanet 140162, MedGen C0027672, MeSH D009386, MONDO:0015356.
Neuroblastoma, susceptibility to, 3. Also called: ALK-Related Neuroblastic Tumor Susceptibility. Identifiers: Orphanet 635, MedGen C2751681, MONDO:0013083, OMIM 613014.

gnomAD v4.1: 11 of 1,551,548 alleles (0.00071%); highest among the groups gnomAD compares: South Asian, 0.0035%; 1 homozygote.

Submissions (2):

Labcorp Genetics (formerly Invitae), Labcorp
Classification: Uncertain significance for Neuroblastoma, susceptibility to, 3. Last evaluated: 2025-07-14. Review status: criteria provided, single submitter. Criteria: Invitae Variant Classification Sherloc (09022015). Collection method: clinical testing. Allele origin: germline.
Comment: This sequence change replaces threonine, which is neutral and polar, with methionine, which is neutral and non-polar, at codon 16 of the ALK protein (p.Thr16Met). The frequency data for this variant in the population databases is considered unreliable, as metrics indicate poor data quality at this position in the gnomAD database. This variant has not been reported in the literature in individuals affected with ALK-related conditions. ClinVar contains an entry for this variant (Variation ID: 3018211). An algorithm developed to predict the effect of missense changes on protein structure and function (PolyPhen-2) suggests that this variant is likely to be tolerated. In summary, the available evidence is currently insufficient to determine the role of this variant in disease. Therefore, it has been classified as a Variant of Uncertain Significance.

Ambry Genetics
Classification: Likely benign for Hereditary cancer-predisposing syndrome. Last evaluated: 2024-12-09. Review status: criteria provided, single submitter. Criteria: Ambry Variant Classification Scheme 2023. Collection method: clinical testing. Allele origin: germline.

NM_004304.5(ALK):c.47C>T (p.Thr16Met)

Gene: ALK (ALK receptor tyrosine kinase; minus strand). Cytogenetic location: 2p23.1.
Variant type: single nucleotide variant.
Coding change: c.47C>T on transcript NM_004304.5 (MANE Select); coding-DNA position 47, C replaced by T.
Protein change: p.Thr16Met; replaces threonine 16 with methionine.
Molecular consequence: missense variant.
Genome position (GRCh38, 1-based): chr2:29,920,613, G>A on the plus strand (C>T on the coding strand, the complement: ALK is on the minus strand). VCF-style: chr2-29920613-G-A. GRCh37 (hg19) VCF-style: chr2-30143479-G-A.
Other names: c.47C>T (NM_004304.4); short protein forms T16M.
Identifiers: ClinVar variation 3018211 (VCV003018211.4), dbSNP rs542229113, ClinGen allele CA1595059.
Genomic context (GRCh38, chr2:29,920,613, plus strand): 5'-GGCCCCGCAGCTGGGGAGCCCGCGCGCTGGCCGGTCCCCATCCCGGAGCCCACAGCTGCC[G>A]TGGAAAGCAGCAGCGGCAGGAGCCACAGGAGCCCGATGGCTCCCATCCCGCCGGAGGAGG-3'
Protein context (NP_004295.2, residues 6-26): LLWLLPLLLS[Thr16Met]AAVGSGMGTG